The following is an entry in ClinVar:

NM_015512.5(DNAH1):c.9004-12T>G

Gene: DNAH1 (dynein axonemal heavy chain 1; plus strand). Cytogenetic location: 3p21.1.
Variant type: single nucleotide variant.
Coding change: c.9004-12T>G on transcript NM_015512.5 (MANE Select); 12 bases into the intron before coding-DNA position 9004, T replaced by G.
Molecular consequence: intron variant.
Genome position (GRCh38, 1-based): chr3:52,388,155, T>G. VCF-style: chr3-52388155-T-G. GRCh37 (hg19) VCF-style: chr3-52422171-T-G.
Identifiers: ClinVar variation 2191328 (VCV002191328.1), dbSNP rs1181019471, ClinGen allele CA542907844.

ClinVar aggregate classification (germline): Uncertain significance (1 of 4 stars; one submission).

Conditions:
Spermatogenic failure 18. Identifiers: MedGen C4539783, MONDO:0054615, OMIM 617576.
Ciliary dyskinesia, primary, 37 (CILD37). Also called: CILIARY DYSKINESIA, PRIMARY, 37, WITH OR WITHOUT SITUS INVERSUS. Identifiers: MedGen C4539798, MONDO:0033204, OMIM 617577.

Allele frequency attached by ClinVar (database versions not stated): TOPMed below 0.00001; gnomAD exomes 0.00001.
gnomAD v4.1: 8 of 1,604,814 alleles (0.0005%); highest among the groups gnomAD compares: African/African-American, 0.0013%; no homozygotes.

Submission:

Labcorp Genetics (formerly Invitae), Labcorp
Classification: Uncertain significance for Ciliary dyskinesia, primary, 37; Spermatogenic failure 18. Last evaluated: 2022-08-20. Review status: criteria provided, single submitter. Criteria: Invitae Variant Classification Sherloc (09022015). Collection method: clinical testing. Allele origin: germline.
Comment: This sequence change falls in intron 56 of the DNAH1 gene. It does not directly change the encoded amino acid sequence of the DNAH1 protein. This variant is present in population databases (no rsID available, gnomAD 0.007%). This variant has not been reported in the literature in individuals affected with DNAH1-related conditions. Algorithms developed to predict the effect of sequence changes on RNA splicing suggest that this variant may create or strengthen a splice site. In summary, the available evidence is currently insufficient to determine the role of this variant in disease. Therefore, it has been classified as a Variant of Uncertain Significance.